The following is an entry in ClinVar:

ClinVar aggregate classification (germline): Uncertain significance. Review status: criteria provided, multiple submitters, no conflicts (2 of 4 stars). 2 submissions from 2 submitters: Uncertain significance (2). Last evaluated 2026-04-02.

Conditions:
POLD1-related polyposis and colorectal cancer syndrome (CRCS10). Also called: Colorectal cancer 10; COLORECTAL CANCER, SUSCEPTIBILITY TO, ON CHROMOSOME 19q; Colorectal cancer, susceptibility to, 10. Identifiers: Orphanet 220460, MedGen C2675481, MONDO:0012953, OMIM 612591.
Hereditary cancer-predisposing syndrome. Also called: Tumor predisposition; Hereditary Cancer Syndrome; Hereditary neoplastic syndrome; Neoplastic Syndromes, Hereditary. Identifiers: Orphanet 140162, MedGen C0027672, MeSH D009386, MONDO:0015356.

Allele frequency attached by ClinVar (database versions not stated): gnomAD exomes below 0.00001.
gnomAD v4.1: 2 of 1,579,886 alleles (0.00013%); highest among the groups gnomAD compares: Non-Finnish European, 0.00017%; no homozygotes.

Submissions (2):

Ambry Genetics
Classification: Uncertain significance for Hereditary cancer-predisposing syndrome. Last evaluated: 2026-04-02. Review status: criteria provided, single submitter. Criteria: Ambry Variant Classification Scheme 2023. Collection method: clinical testing. Allele origin: germline.
Comment: The p.I853V variant (also known as c.2557A>G), located in coding exon 19 of the POLD1 gene, results from an A to G substitution at nucleotide position 2557. The isoleucine at codon 853 is replaced by valine, an amino acid with highly similar properties. This amino acid position is conserved. In addition, this alteration is predicted to be tolerated by in silico analysis. Based on the available evidence, the clinical significance of this variant remains unclear.

Labcorp Genetics (formerly Invitae), Labcorp
Classification: Uncertain significance for POLD1-related polyposis and colorectal cancer syndrome. Last evaluated: 2025-02-19. Review status: criteria provided, single submitter. Criteria: Invitae Variant Classification Sherloc (09022015). Collection method: clinical testing. Allele origin: germline.
Comment: This sequence change replaces isoleucine, which is neutral and non-polar, with valine, which is neutral and non-polar, at codon 853 of the POLD1 protein (p.Ile853Val). This variant is not present in population databases (gnomAD no frequency). This variant has not been reported in the literature in individuals affected with POLD1-related conditions. ClinVar contains an entry for this variant (Variation ID: 1977083). Invitae Evidence Modeling of protein sequence and biophysical properties (such as structural, functional, and spatial information, amino acid conservation, physicochemical variation, residue mobility, and thermodynamic stability) indicates that this missense variant is not expected to disrupt POLD1 protein function with a negative predictive value of 80%. In summary, the available evidence is currently insufficient to determine the role of this variant in disease. Therefore, it has been classified as a Variant of Uncertain Significance.

NM_002691.4(POLD1):c.2557A>G (p.Ile853Val)

Gene: POLD1 (DNA polymerase delta 1, catalytic subunit; plus strand). Cytogenetic location: 19q13.33.
Variant type: single nucleotide variant.
Coding change: c.2557A>G on transcript NM_002691.4 (MANE Select); coding-DNA position 2557, A replaced by G.
Protein change: p.Ile853Val; replaces isoleucine 853 with valine.
Molecular consequence: missense variant. On other transcripts: non-coding transcript variant (1).
Genome position (GRCh38, 1-based): chr19:50,414,983, A>G. VCF-style: chr19-50414983-A-G. GRCh37 (hg19) VCF-style: chr19-50918240-A-G.
Other names: c.2557A>G (NM_002691.2); c.2557A>G, p.Ile853Val (NM_001256849.1); c.2635A>G, p.Ile879Val (NM_001308632.1); short protein forms I879V, I853V.
Identifiers: ClinVar variation 1977083 (VCV001977083.6), dbSNP rs2514049221, ClinGen allele CA406985239.